The following is an entry in ClinVar:

NM_001308093.3(GATA4):c.404G>T (p.Gly135Val)

Gene: GATA4 (GATA binding protein 4). Cytogenetic location: 8p23.1.
Variant type: single nucleotide variant.
Coding change: c.404G>T on transcript NM_001308093.3 (MANE Select); coding-DNA position 404, G replaced by T.
Protein change: p.Gly135Val; replaces glycine 135 with valine.
Molecular consequence: missense variant. On other transcripts: intron variant (3).
Genome position (GRCh38, 1-based): chr8:11,708,716, G>T. VCF-style: chr8-11708716-G-T. GRCh37 (hg19) VCF-style: chr8-11566225-G-T.
Other names: c.404G>T, p.Gly135Val (NM_002052.5); c.-6+7938G>T (NM_001308094.2); c.-3+702G>T (NM_001374274.1); c.-3+4412G>T (NM_001374273.1); short protein forms G135V.
Identifiers: ClinVar variation 2899467 (VCV002899467.3), dbSNP rs1386927055, ClinGen allele CA370309554.
Genomic context (GRCh38, chr8:11,708,716, plus strand): 5'-GGTCCCTGGCGGCCGCCGCCGCCGCTGCCGCGGCCCGGGAAGCTGCGGCCTACAGCAGTG[G>T]CGGCGGAGCGGCGGGTGCGGGCCTGGCGGGCCGCGAGCAGTACGGGCGCGCCGGCTTCGC-3'
Protein context (NP_001295022.1, residues 125-145): AAREAAAYSS[Gly135Val]GGAAGAGLAG

ClinVar aggregate classification (germline): Uncertain significance (1 of 4 stars; one submission).

Conditions:
Atrioventricular septal defect 4 (AVSD4). Identifiers: MedGen C3280781, MONDO:0013747, OMIM 614430.

Submission:

Labcorp Genetics (formerly Invitae), Labcorp
Classification: Uncertain significance for Atrioventricular septal defect 4. Last evaluated: 2025-01-17. Review status: criteria provided, single submitter. Criteria: Invitae Variant Classification Sherloc (09022015). Collection method: clinical testing. Allele origin: germline.
Comment: This sequence change replaces glycine, which is neutral and non-polar, with valine, which is neutral and non-polar, at codon 135 of the GATA4 protein (p.Gly135Val). This variant is not present in population databases (gnomAD no frequency). This variant has not been reported in the literature in individuals affected with GATA4-related conditions. ClinVar contains an entry for this variant (Variation ID: 2899467). Invitae Evidence Modeling of protein sequence and biophysical properties (such as structural, functional, and spatial information, amino acid conservation, physicochemical variation, residue mobility, and thermodynamic stability) has been performed for this missense variant. However, the output from this modeling did not meet the statistical confidence thresholds required to predict the impact of this variant on GATA4 protein function. In summary, the available evidence is currently insufficient to determine the role of this variant in disease. Therefore, it has been classified as a Variant of Uncertain Significance.